The following is an entry in ClinVar:

ClinVar aggregate classification (germline): Uncertain significance (1 of 4 stars; one submission).

Conditions:
Hereditary cancer-predisposing syndrome. Also called: Neoplastic Syndromes, Hereditary; Tumor predisposition; Hereditary Cancer Syndrome; Hereditary neoplastic syndrome. Identifiers: Orphanet 140162, MedGen C0027672, MeSH D009386, MONDO:0015356.

Submission:

Ambry Genetics
Classification: Uncertain significance for Hereditary cancer-predisposing syndrome. Last evaluated: 2025-05-24. Review status: criteria provided, single submitter. Criteria: Ambry Variant Classification Scheme 2023. Collection method: clinical testing. Allele origin: germline.
Comment: The p.S2619T variant (also known as c.7856G>C), located in coding exon 52 of the ATM gene, results from a G to C substitution at nucleotide position 7856. The serine at codon 2619 is replaced by threonine, an amino acid with similar properties. This amino acid position is conserved. In addition, this alteration is predicted to be tolerated by in silico analysis. Based on the available evidence, the clinical significance of this variant remains unclear.

NM_000051.4(ATM):c.7856G>C (p.Ser2619Thr)

Genes: ATM (ATM serine/threonine kinase; plus strand), C11orf65 (chromosome 11 open reading frame 65; minus strand). Cytogenetic location: 11q22.3.
Variant type: single nucleotide variant.
Coding change: c.7856G>C on transcript NM_000051.4 (MANE Select); coding-DNA position 7856, G replaced by C.
Protein change: p.Ser2619Thr; replaces serine 2619 with threonine.
Molecular consequence: missense variant. On other transcripts: intron variant (2).
Genome position (GRCh38, 1-based): chr11:108,332,829, G>C. VCF-style: chr11-108332829-G-C. GRCh37 (hg19) VCF-style: chr11-108203556-G-C.
Other names: c.7856G>C, p.Ser2619Thr (NM_001351834.2); c.641-23758C>G (NM_001330368.2); c.*38+2391C>G (NM_001351110.2); short protein forms S2619T.
Identifiers: ClinVar variation 3967314 (VCV003967314.1).